The following is an entry in ClinVar:

ClinVar aggregate classification (germline): Benign (1 of 4 stars; one submission).

Conditions:
Leigh syndrome (NULS). Also called: Leigh's necrotizing encephalopathy; Leigh's disease; Leigh's syndrome; LEIGH SYNDROME, NUCLEAR; Leigh Syndrome (mtDNA deletion); Leigh Disease. Identifiers: Orphanet 506, MedGen C2931891, MONDO:0009723, OMIM 256000.

Submission:

Wong Mito Lab, Molecular and Human Genetics, Baylor College of Medicine
Classification: Benign for Leigh syndrome. Last evaluated: 2019-10-17. Review status: criteria provided, single submitter. Criteria: Modified ACMG Guidelines (Unpublished). Collection method: clinical testing. Allele origin: germline.
Comment: The NC_012920.1:m.14574C>T (YP_003024037.1:p.Val34Ile) variant in MTND6 gene is interpretated to be a Benign variant based on the modified ACMG guidelines (unpublished). This variant meets the following evidence codes: BS1, BS4, BP4

NC_012920.1(MT-ND6):m.14574C>T

Gene: MT-ND6 (mitochondrially encoded NADH dehydrogenase 6; minus strand).
Variant type: single nucleotide variant.
Genome position: chrM-14574-C-T.
Identifiers: ClinVar variation 693740 (VCV000693740.1), dbSNP rs386829218, ClinGen allele CA414823110.